The following is an entry in ClinVar:

NM_000059.4(BRCA2):c.1114_1115delinsC (p.Asn372fs)

Gene: BRCA2 (BRCA2 DNA repair associated; plus strand). Cytogenetic location: 13q13.1.
Variant type: Indel.
Coding change: c.1114_1115delinsC on transcript NM_000059.4 (MANE Select); coding-DNA positions 1114 to 1115, AA replaced by C.
Protein change: p.Asn372fs; shifts the reading frame from asparagine 372.
Molecular consequence: frameshift variant.
Genome position (GRCh38, 1-based): chr13:32,332,592-32,332,593, AA replaced by C. VCF-style: chr13-32332592-AA-C. GRCh37 (hg19) VCF-style: chr13-32906729-AA-C.
Other names: c.1114_1115delAAinsC (NM_000059.3); short protein forms N372fs.
Identifiers: ClinVar variation 545846 (VCV000545846.2), dbSNP rs1555281742, ClinGen allele CA658823673.

ClinVar aggregate classification (germline): Pathogenic (1 of 4 stars; one submission).

Submission:

GeneDx
Classification: Pathogenic. Last evaluated: 2017-11-29. Review status: criteria provided, single submitter. Criteria: GeneDx Variant Classification (06012015). Collection method: clinical testing. Allele origin: germline. Affected: yes.
Comment: This combined deletion and insertion is denoted BRCA2 c.1114_1115delAAinsC at the cDNA level and p.Asn372LeufsX27 (N372LfsX27) at the protein level. This variant would be defined as BRCA2 1342_1343delAAinsC using alternate nomenclature. The normal sequence, with the bases that are inserted in brackets, is AGCA[delAA][insC]TCAG. The variant causes a frameshift which changes an Asparagine to a Leucine at codon 372, and creates a premature stop codon at position 27 of the new reading frame. Although this variant has not, to our knowledge, been reported in the literature, it is predicted to cause loss of normal protein function through either protein truncation or nonsense-mediated mRNA decay. Based on currently available evidence, we consider this variant to be pathogenic.